The following is an entry in ClinVar:

NM_201384.3(PLEC):c.1186C>T (p.Arg396Cys)

Gene: PLEC (plectin; minus strand). Cytogenetic location: 8q24.3.
Variant type: single nucleotide variant.
Coding change: c.1186C>T on transcript NM_201384.3 (MANE Select); coding-DNA position 1186, C replaced by T.
Protein change: p.Arg396Cys; replaces arginine 396 with cysteine.
Molecular consequence: missense variant.
Genome position (GRCh38, 1-based): chr8:143,934,075, G>A on the plus strand (C>T on the coding strand, the complement: PLEC is on the minus strand). VCF-style: chr8-143934075-G-A. GRCh37 (hg19) VCF-style: chr8-145008243-G-A.
Other names: c.1267C>T, p.Arg423Cys (NM_000445.5, NM_001410941.1); c.1144C>T, p.Arg382Cys (NM_201378.4); c.1120C>T, p.Arg374Cys (NM_201379.3); c.1597C>T, p.Arg533Cys (NM_201380.4); c.1090C>T, p.Arg364Cys (NM_201381.3); c.1186C>T, p.Arg396Cys (NM_201382.4); c.1198C>T, p.Arg400Cys (NM_201383.3); c.1267C>T (NM_000445.4); short protein forms R374C, R382C, R423C, R533C, R364C, R396C, R400C.
Identifiers: ClinVar variation 4138972 (VCV004138972.3).

ClinVar aggregate classification (germline): Uncertain significance. Review status: criteria provided, multiple submitters, no conflicts (2 of 4 stars). 3 submissions from 3 submitters: Uncertain significance (3). Last evaluated 2026-06-14.

Conditions:
Inborn genetic diseases. Identifiers: MedGen C0950123, MeSH D030342.
Epidermolysis bullosa simplex with nail dystrophy (EBS5D). Identifiers: MedGen C4225309, MONDO:0014661, OMIM 616487.
Epidermolysis bullosa simplex, Ogna type (EBS5A). Also called: Pidermolysis bullosa simplex 5A, Ogna type; EPIDERMOLYSIS BULLOSA SIMPLEX 5A, OGNA TYPE. Identifiers: Orphanet 79401, MedGen C0432317, MONDO:0007555, OMIM 131950.
Epidermolysis bullosa simplex 5C, with pyloric atresia (EBS5C). Also called: PLEC-Related Epidermolysis Bullosa with Pyloric Atresia; Epidermolysis bullosa simplex with pyloric atresia; PLEC1-Related Epidermolysis Bullosa with Pyloric Atresia. Identifiers: Orphanet 158684, MedGen C2677349, MONDO:0012807, OMIM 612138.
Autosomal recessive limb-girdle muscular dystrophy type 2Q (LGMDR17). Also called: MUSCULAR DYSTROPHY, LIMB-GIRDLE, AUTOSOMAL RECESSIVE 17. Identifiers: Orphanet 254361, MedGen C3150989, MONDO:0013390, OMIM 613723.
Epidermolysis bullosa simplex 5B, with muscular dystrophy (EBS5B). Also called: EPIDERMOLYSIS BULLOSA SIMPLEX AND LIMB-GIRDLE MUSCULAR DYSTROPHY; Epidermolysis bullosa simplex with muscular dystrophy. Identifiers: Orphanet 257, MedGen C2931072, MONDO:0009181, OMIM 226670.
PLEC-related disorder. Also called: PLEC-related condition; PLEC-related disorders.

gnomAD v4.1: 8 of 1,611,520 alleles (0.0005%); highest among the groups gnomAD compares: East Asian, 0.0022%; no homozygotes.

Submissions (3):

PreventionGenetics, part of Exact Sciences
Classification: Uncertain significance for PLEC-related condition. Last evaluated: 2026-06-14. Review status: criteria provided, single submitter. Criteria: ACMG Guidelines, 2015. Collection method: clinical testing. Allele origin: germline.
Comment: The PLEC c.1267C>T variant is predicted to result in the amino acid substitution p.Arg423Cys. To our knowledge, this variant has not been reported in the literature. This variant is reported in 0.013% of alleles in individuals of South Asian descent in gnomAD. At this time, the clinical significance of this variant is uncertain due to the absence of conclusive functional and genetic evidence.

Ambry Genetics
Classification: Uncertain significance for Inborn genetic diseases. Last evaluated: 2025-08-08. Review status: criteria provided, single submitter. Criteria: Ambry Variant Classification Scheme 2023. Collection method: clinical testing. Allele origin: germline.

Labcorp Genetics (formerly Invitae), Labcorp
Classification: Uncertain significance for Autosomal recessive limb-girdle muscular dystrophy type 2Q; Epidermolysis bullosa simplex, Ogna type; Epidermolysis bullosa simplex with nail dystrophy; Epidermolysis bullosa simplex 5C, with pyloric atresia; Epidermolysis bullosa simplex 5B, with muscular dystrophy. Last evaluated: 2025-02-04. Review status: criteria provided, single submitter. Criteria: Invitae Variant Classification Sherloc (09022015). Collection method: clinical testing. Allele origin: germline.
Comment: This sequence change replaces arginine, which is basic and polar, with cysteine, which is neutral and slightly polar, at codon 423 of the PLEC protein (p.Arg423Cys). The frequency data for this variant in the population databases is considered unreliable, as metrics indicate poor data quality at this position in the gnomAD database. This variant has not been reported in the literature in individuals affected with PLEC-related conditions. Experimental studies and prediction algorithms are not available or were not evaluated, and the functional significance of this variant is currently unknown. In summary, the available evidence is currently insufficient to determine the role of this variant in disease. Therefore, it has been classified as a Variant of Uncertain Significance.